The following is an entry in ClinVar:

ClinVar aggregate classification (germline): Uncertain significance (1 of 4 stars; one submission).

Conditions:
Polycystic kidney disease 7 (PKD7). Identifiers: MedGen C5774222, MONDO:0031062, OMIM 620056.

Submission:

MVZ Medizinische Genetik Mainz
Classification: Uncertain significance for Polycystic kidney disease 7. Last evaluated: 2023-11-29. Review status: criteria provided, single submitter. Criteria: UK Practice Guidelines For Variant Classification V4 01 2020. Collection method: clinical testing. Allele origin: germline. Inheritance: Autosomal dominant inheritance. Affected: yes. Observed: 1 variant allele.
Comment: ACMG Criteria: PM2_SUP,PM4_SUP,PP3

NM_013338.5(ALG5):c.717ATT[1] (p.Leu240del)

Gene: ALG5 (ALG5 dolichyl-phosphate beta-glucosyltransferase; minus strand). Cytogenetic location: 13q13.3.
Variant type: Microsatellite.
Coding change: c.717ATT[1] on transcript NM_013338.5 (MANE Select); one copy of the 3-base unit ATT starting at c.717; the reference has two copies in a row; one copy, 3 bases deleted.
Protein change: p.Leu240del; deletes leucine 240.
Molecular consequence: inframe deletion.
Genome position (GRCh38, 1-based): chr13:36,965,626-36,965,628, AAT deleted on the plus strand (ATT on the coding strand, the reverse complement: ALG5 is on the minus strand); deleting any 3 consecutive bases within chr13:36,965,626-36,965,631 gives the same sequence; the position shown is the placement nearest the transcript's 3' end. VCF-style (leftmost placement, unchanged base first): chr13-36965625-AAAT-A. GRCh37 (hg19) VCF-style: chr13-37539762-AAAT-A.
Other names: c.627ATT[1], p.Leu210del (NM_001142364.1); short protein forms L210del, L240del.
Identifiers: ClinVar variation 3234029 (VCV003234029.1), dbSNP rs2501484833, ClinGen allele CA2825002177.